The following is an entry in ClinVar:

NM_001329630.2(PLEKHA7):c.323C>T (p.Ser108Leu)

Gene: PLEKHA7 (pleckstrin homology domain containing A7; minus strand). Cytogenetic location: 11p15.2.
Variant type: single nucleotide variant.
Coding change: c.323C>T on transcript NM_001329630.2 (MANE Select); coding-DNA position 323, C replaced by T.
Protein change: p.Ser108Leu; replaces serine 108 with leucine.
Molecular consequence: missense variant.
Genome position (GRCh38, 1-based): chr11:16,855,897, G>A on the plus strand (C>T on the coding strand, the complement: PLEKHA7 is on the minus strand). VCF-style: chr11-16855897-G-A. GRCh37 (hg19) VCF-style: chr11-16877444-G-A.
Other names: c.323C>T, p.Ser108Leu (NM_001329631.2, NM_001410960.1, NM_175058.5); short protein forms S108L.
Identifiers: ClinVar variation 3350866 (VCV003350866.1).

ClinVar aggregate classification (germline): Likely benign (0 of 4 stars; one submission).

Conditions:
PLEKHA7-related disorder. Also called: PLEKHA7-related condition.

gnomAD v4.1: 8 of 1,613,816 alleles (0.0005%); highest among the groups gnomAD compares: Admixed American, 0.0017%; no homozygotes.

Submission:

PreventionGenetics, part of Exact Sciences
Classification: Likely benign for PLEKHA7-related condition. Last evaluated: 2019-07-15. Review status: no assertion criteria provided. Collection method: clinical testing. Allele origin: germline.
Comment: This variant is classified as likely benign based on ACMG/AMP sequence variant interpretation guidelines (Richards et al. 2015 PMID: 25741868, with internal and published modifications).